The following is an entry in ClinVar:

NM_001999.4(FBN2):c.4472-18_4472-17delinsA

Gene: FBN2 (fibrillin 2; minus strand). Cytogenetic location: 5q23.3.
Variant type: Indel.
Coding change: c.4472-18_4472-17delinsA on transcript NM_001999.4 (MANE Select); 18 bases into the intron before coding-DNA position 4472 through 17 bases into the intron before coding-DNA position 4472, TT replaced by A.
Molecular consequence: intron variant.
Genome position (GRCh38, 1-based): chr5:128,319,018-128,319,019, AA replaced by T on the plus strand (TT replaced by A on the coding strand, the reverse complement: FBN2 is on the minus strand). VCF-style: chr5-128319018-AA-T. GRCh37 (hg19) VCF-style: chr5-127654710-AA-T.
Other names: c.4472-18_4472-12delTTTTTTTinsATTTTT (NM_001999.3).
Identifiers: ClinVar variation 213386 (VCV000213386.4), dbSNP rs863223596, ClinGen allele CA320812.

ClinVar aggregate classification (germline): Uncertain significance. Review status: criteria provided, multiple submitters, no conflicts (2 of 4 stars). 2 submissions from 2 submitters: Uncertain significance (2). Last evaluated 2023-10-19.

Submissions (2):

Women's Health and Genetics/Laboratory Corporation of America, LabCorp
Classification: Uncertain significance. Last evaluated: 2023-10-19. Review status: criteria provided, single submitter. Criteria: LabCorp Variant Classification Summary - May 2015. Collection method: clinical testing. Allele origin: germline.
Comment: Variant summary: FBN2 c.4472-18_4472-17delinsA alters a nucleotide located at a position not widely known to affect splicing. Several computational tools predict a significant impact on normal splicing: One predict the variant no significant impact on splicing. One predict the variant abolishes a 3' acceptor site. Two predict the variant weakens a 3' acceptor site. However, these predictions have yet to be confirmed by functional studies. The variant was absent in 280850 control chromosomes. The available data on variant occurrences in the general population are insufficient to allow any conclusion about variant significance. To our knowledge, no occurrence of c.4472-18_4472-17delinsA in individuals affected with Aortopathy and no experimental evidence demonstrating its impact on protein function have been reported. One submitter has cited clinical-significance assessments for this variant to ClinVar after 2014 and has classified the variant as uncertain significance. Based on the evidence outlined above, the variant was classified as uncertain significance.

GeneDx
Classification: Uncertain significance. Last evaluated: 2022-04-19. Review status: criteria provided, single submitter. Criteria: GeneDx Variant Classification Process June 2021. Collection method: clinical testing. Allele origin: germline. Affected: yes.
Comment: Has not been previously published as pathogenic or benign to our knowledge; In-silico analysis is inconclusive as to whether the variant alters gene splicing. In the absence of RNA/functional studies, the actual effect of this sequence change is unknown.